The following is an entry in ClinVar:

NM_001267550.2(TTN):c.33094+1G>A

Gene: TTN (titin; minus strand). Cytogenetic location: 2q31.2.
Variant type: single nucleotide variant.
Coding change: c.33094+1G>A on transcript NM_001267550.2 (MANE Select); the canonical splice donor site of the intron after coding-DNA position 33094, G replaced by A.
Molecular consequence: splice donor variant. On other transcripts: intron variant (3).
Genome position (GRCh38, 1-based): chr2:178,682,696, C>T on the plus strand (G>A on the coding strand, the complement: TTN is on the minus strand). VCF-style: chr2-178682696-C-T. GRCh37 (hg19) VCF-style: chr2-179547423-C-T.
Other names: c.13283-40379G>A (NM_003319.4); c.13859-40379G>A (NM_133437.4); c.13658-40379G>A (NM_133432.3); c.29362+1G>A (NM_133378.4); c.32143+1G>A (NM_001256850.1).
Identifiers: ClinVar variation 191582 (VCV000191582.1), dbSNP rs786205398, ClinGen allele CA249982.

ClinVar aggregate classification (germline): Uncertain significance (1 of 4 stars; one submission).

Conditions:
Primary dilated cardiomyopathy (DCM). Also called: Dilated Cardiomyopathy. Identifiers: Orphanet 217604, MedGen C0007193, MeSH D002311, MONDO:0005021, HP:0001644. Inheritance: Various modes of inheritance.

Submission:

Biesecker Lab/Clinical Genomics Section, National Institutes of Health
Classification: Uncertain significance for Primary dilated cardiomyopathy. Last evaluated: 2018-04-05. Review status: criteria provided, single submitter. Criteria: ACMG Guidelines, 2015. Collection method: research. Allele origin: unknown. Affected: no. Observed: 1 variant allele.
Comment: The study set was not selected for affection status in relation to arrhythmia or cardiomyopathy. Pathogenicity categories were based on literature curation. See Pubmed ID:25741868 for details.

Medical sequencing